The following is an entry in ClinVar:

NM_001004334.4(GPR179):c.5743G>C (p.Asp1915His)

Gene: GPR179 (G protein-coupled receptor 179; minus strand). Cytogenetic location: 17q12.
Variant type: single nucleotide variant.
Coding change: c.5743G>C on transcript NM_001004334.4 (MANE Select); coding-DNA position 5743, G replaced by C.
Protein change: p.Asp1915His; replaces aspartic acid 1915 with histidine.
Molecular consequence: missense variant.
Genome position (GRCh38, 1-based): chr17:38,327,826, C>G on the plus strand (G>C on the coding strand, the complement: GPR179 is on the minus strand). VCF-style: chr17-38327826-C-G. GRCh37 (hg19) VCF-style: chr17-36483709-C-G.
Other names: short protein forms D1915H.
Identifiers: ClinVar variation 1366832 (VCV001366832.8), dbSNP rs2144256013, ClinGen allele CA398870961.

ClinVar aggregate classification (germline): Uncertain significance (1 of 4 stars; one submission).

Submission:

Labcorp Genetics (formerly Invitae), Labcorp
Classification: Uncertain significance. Last evaluated: 2020-12-08. Review status: criteria provided, single submitter. Criteria: Invitae Variant Classification Sherloc (09022015). Collection method: clinical testing. Allele origin: germline.
Comment: In summary, the available evidence is currently insufficient to determine the role of this variant in disease. Therefore, it has been classified as a Variant of Uncertain Significance. Algorithms developed to predict the effect of missense changes on protein structure and function are either unavailable or do not agree on the potential impact of this missense change (SIFT: "Tolerated"; PolyPhen-2: "Possibly Damaging"; Align-GVGD: "Class C0"). This variant has not been reported in the literature in individuals with GPR179-related conditions. This variant is not present in population databases (ExAC no frequency). This sequence change replaces aspartic acid with histidine at codon 1915 of the GPR179 protein (p.Asp1915His). The aspartic acid residue is weakly conserved and there is a moderate physicochemical difference between aspartic acid and histidine.